The following is an entry in ClinVar:

NM_021957.4(GYS2):c.1554A>G (p.Glu518=)

Gene: GYS2 (glycogen synthase 2; minus strand). Cytogenetic location: 12p12.1.
Variant type: single nucleotide variant.
Coding change: c.1554A>G on transcript NM_021957.4 (MANE Select); coding-DNA position 1554, A replaced by G.
Protein change: p.Glu518=; no amino-acid change (glutamic acid 518 retained).
Molecular consequence: synonymous variant.
Genome position (GRCh38, 1-based): chr12:21,542,587, T>C on the plus strand (A>G on the coding strand, the complement: GYS2 is on the minus strand). VCF-style: chr12-21542587-T-C. GRCh37 (hg19) VCF-style: chr12-21695521-T-C.
Identifiers: ClinVar variation 387912 (VCV000387912.1), dbSNP rs1057522938, ClinGen allele CA16606565.

ClinVar aggregate classification (germline): Likely benign (1 of 4 stars; one submission).

Submission:

GeneDx
Classification: Likely benign. Last evaluated: 2016-08-01. Review status: criteria provided, single submitter. Criteria: GeneDx Variant Classification (06012015). Collection method: clinical testing. Allele origin: germline. Affected: yes.
Comment: This variant is considered likely benign or benign based on one or more of the following criteria: it is a conservative change, it occurs at a poorly conserved position in the protein, it is predicted to be benign by multiple in silico algorithms, and/or has population frequency not consistent with disease.